The following is an entry in ClinVar:

NM_033026.6(PCLO):c.13595C>T (p.Ala4532Val)

Gene: PCLO (piccolo presynaptic cytomatrix protein; minus strand). Cytogenetic location: 7q21.11.
Variant type: single nucleotide variant.
Coding change: c.13595C>T on transcript NM_033026.6 (MANE Select); coding-DNA position 13595, C replaced by T.
Protein change: p.Ala4532Val; replaces alanine 4532 with valine.
Molecular consequence: missense variant.
Genome position (GRCh38, 1-based): chr7:82,879,396, G>A on the plus strand (C>T on the coding strand, the complement: PCLO is on the minus strand). VCF-style: chr7-82879396-G-A. GRCh37 (hg19) VCF-style: chr7-82508712-G-A.
Other names: c.13595C>T, p.Ala4532Val (NM_014510.3); short protein forms A4532V.
Identifiers: ClinVar variation 1434450 (VCV001434450.8), dbSNP rs1215169978, ClinGen allele CA367882467.

ClinVar aggregate classification (germline): Uncertain significance (1 of 4 stars; one submission).

Submission:

Labcorp Genetics (formerly Invitae), Labcorp
Classification: Uncertain significance. Last evaluated: 2024-02-17. Review status: criteria provided, single submitter. Criteria: Invitae Variant Classification Sherloc (09022015). Collection method: clinical testing. Allele origin: germline.
Comment: This sequence change replaces alanine, which is neutral and non-polar, with valine, which is neutral and non-polar, at codon 4532 of the PCLO protein (p.Ala4532Val). This variant is not present in population databases (gnomAD no frequency). This variant has not been reported in the literature in individuals affected with PCLO-related conditions. ClinVar contains an entry for this variant (Variation ID: 1434450). Experimental studies and prediction algorithms are not available or were not evaluated, and the functional significance of this variant is currently unknown. In summary, the available evidence is currently insufficient to determine the role of this variant in disease. Therefore, it has been classified as a Variant of Uncertain Significance.